The following is an entry in ClinVar:

NM_002294.3(LAMP2):c.1094-1G>A

Gene: LAMP2 (lysosomal associated membrane protein 2; minus strand). Cytogenetic location: Xq24.
Variant type: single nucleotide variant.
Coding change: c.1094-1G>A on transcript NM_002294.3 (MANE Select); the canonical splice acceptor site of the intron before coding-DNA position 1094, G replaced by A.
Molecular consequence: splice acceptor variant. On other transcripts: intron variant (1).
Genome position (GRCh38, 1-based): chrX:120,431,463, C>T on the plus strand (G>A on the coding strand, the complement: LAMP2 is on the minus strand). VCF-style: chrX-120431463-C-T. GRCh37 (hg19) VCF-style: chrX-119565318-C-T.
Other names: c.1094-2837G>A (NM_001122606.1).
Identifiers: ClinVar variation 1309792 (VCV001309792.2), dbSNP rs1331940434, ClinGen allele CA414398439.
Genomic context (GRCh38, chrX:120,431,463, plus strand): 5'-AGGCAGCTCCCACCGCTATGGGCACAAGGAAGTTGTCGTCATCTGCACTGCAGTCTTGAG[C>T]TAGATGTGGAGAAAGGACAATTGAGAACAGAAACAGTGACAAACTTTCAAATCTGTGTAT-3'

ClinVar aggregate classification (germline): Uncertain significance (1 of 4 stars; one submission).

Submission:

GeneDx
Classification: Uncertain significance. Last evaluated: 2021-01-02. Review status: criteria provided, single submitter. Criteria: GeneDx Variant Classification Process June 2021. Collection method: clinical testing. Allele origin: germline. Affected: yes.
Comment: Has not been previously published as pathogenic or benign to our knowledge; Not observed in large population cohorts (Lek et al., 2016); Canonical splice site variant predicted to result in an in-frame deletion of exon 9